The following is an entry in ClinVar:

ClinVar aggregate classification (germline): Uncertain significance (1 of 4 stars; one submission).

Submission:

Women's Health and Genetics/Laboratory Corporation of America, LabCorp
Classification: Uncertain significance. Last evaluated: 2024-05-29. Review status: criteria provided, single submitter. Criteria: LabCorp Variant Classification Summary - May 2015. Collection method: clinical testing. Allele origin: germline.
Comment: Variant summary: AGPS c.1712A>C (p.Tyr571Ser) results in a non-conservative amino acid change located in the FAD-binding oxidoreductase/transferase, type 4, C-terminal domain (IPR004113) of the encoded protein sequence. Five of five in-silico tools predict a damaging effect of the variant on protein function. The variant was absent in 251266 control chromosomes. The available data on variant occurrences in the general population are insufficient to allow any conclusion about variant significance. c.1712A>C has been reported in the literature in at least one individuals affected with Rhizomelic chondrodysplasia punctata, type 3 without reported genotype (e.g. Caswell_2022). This report does not provide unequivocal conclusions about association of the variant with Rhizomelic Chondrodysplasia Punctata. To our knowledge, no experimental evidence demonstrating an impact on protein function has been reported. The following publication has been ascertained in the context of this evaluation (PMID: 35869530). No submitters have cited clinical-significance assessments for this variant to ClinVar. Based on the evidence outlined above, the variant was classified as uncertain significance.

Literature cited by the submitters: PubMed 35869530.

NM_003659.4(AGPS):c.1712A>C (p.Tyr571Ser)

Gene: AGPS (alkylglycerone phosphate synthase; plus strand). Cytogenetic location: 2q31.2.
Variant type: single nucleotide variant.
Coding change: c.1712A>C on transcript NM_003659.4 (MANE Select); coding-DNA position 1712, A replaced by C.
Protein change: p.Tyr571Ser; replaces tyrosine 571 with serine.
Molecular consequence: missense variant.
Genome position (GRCh38, 1-based): chr2:177,521,283, A>C. VCF-style: chr2-177521283-A-C. GRCh37 (hg19) VCF-style: chr2-178386011-A-C.
Other names: short protein forms Y571S.
Identifiers: ClinVar variation 3336321 (VCV003336321.1).